The following is an entry in ClinVar:

NM_018975.4(TERF2IP):c.199C>T (p.Pro67Ser)

Gene: TERF2IP (TERF2 interacting protein; plus strand). Cytogenetic location: 16q23.1.
Variant type: single nucleotide variant.
Coding change: c.199C>T on transcript NM_018975.4 (MANE Select); coding-DNA position 199, C replaced by T.
Protein change: p.Pro67Ser; replaces proline 67 with serine.
Molecular consequence: missense variant. On other transcripts: non-coding transcript variant (1).
Genome position (GRCh38, 1-based): chr16:75,648,081, C>T. VCF-style: chr16-75648081-C-T. GRCh37 (hg19) VCF-style: chr16-75681979-C-T.
Other names: short protein forms P67S.
Identifiers: ClinVar variation 1784128 (VCV001784128.3), dbSNP rs763501317, ClinGen allele CA8177955.

ClinVar aggregate classification (germline): Uncertain significance (1 of 4 stars; one submission).

Allele frequency attached by ClinVar (database versions not stated): ExAC 0.00003.

Submission:

Ambry Genetics
Classification: Uncertain significance. Last evaluated: 2024-08-22. Review status: criteria provided, single submitter. Criteria: Ambry Variant Classification Scheme 2023. Collection method: clinical testing. Allele origin: germline.
Comment: The p.P67S variant (also known as c.199C>T), located in coding exon 1 of the TERF2IP gene, results from a C to T substitution at nucleotide position 199. The proline at codon 67 is replaced by serine, an amino acid with similar properties. This amino acid position is conserved. In addition, this alteration is predicted to be tolerated by in silico analysis. Since supporting evidence is limited at this time, the clinical significance of this alteration remains unclear.